The following is an entry in ClinVar:

ClinVar aggregate classification (germline): Uncertain significance (1 of 4 stars; one submission).

Conditions:
BCORL1-related disorder. Also called: BCORL1-related condition.

Allele frequency attached by ClinVar (database versions not stated): gnomAD exomes below 0.00001; TOPMed 0.00001.
gnomAD v4.1: 1 of 982,918 alleles (0.0001%); highest among the groups gnomAD compares: Non-Finnish European, 0.00013%; no homozygotes.

Submission:

PreventionGenetics, part of Exact Sciences
Classification: Uncertain significance for BCORL1-related condition. Last evaluated: 2023-05-04. Review status: criteria provided, single submitter. Criteria: ACMG Guidelines, 2015. Collection method: clinical testing. Allele origin: germline.
Comment: The BCORL1 c.4472T>C variant is predicted to result in the amino acid substitution p.Val1491Ala. To our knowledge, this variant has not been reported in the literature or in a large population database, indicating this variant is rare. At this time, the clinical significance of this variant is uncertain due to the absence of conclusive functional and genetic evidence.

NM_001379451.1(BCORL1):c.4472T>C (p.Val1491Ala)

Gene: BCORL1 (BCL6 corepressor like 1; plus strand). Cytogenetic location: Xq26.1.
Variant type: single nucleotide variant.
Coding change: c.4472T>C on transcript NM_001379451.1 (MANE Select); coding-DNA position 4472, T replaced by C.
Protein change: p.Val1491Ala; replaces valine 1491 with alanine.
Molecular consequence: missense variant. On other transcripts: intron variant (1).
Genome position (GRCh38, 1-based): chrX:130,034,621, T>C. VCF-style: chrX-130034621-T-C. GRCh37 (hg19) VCF-style: chrX-129168596-T-C.
Other names: c.4472T>C, p.Val1491Ala (NM_001184772.3, NM_001379450.1); c.4306-2746T>C (NM_021946.5); short protein forms V1491A.
Identifiers: ClinVar variation 2633175 (VCV002633175.1), dbSNP rs1930826668, ClinGen allele CA414554945.
Genomic context (GRCh38, chrX:130,034,621, plus strand): 5'-AGGAGGCCTCAGAGTCACCTACAGCCCGGCAGATCCCCCCAGAGGCACGTCGGCTCATAG[T>C]GAACAAAAATGCTGGTGAGACCCTCCTGCAGAGGGCGGCGCGTCTTGGCTATAAGGTAAG-3'
Protein context (NP_001366380.1, residues 1481-1501): QIPPEARRLI[Val1491Ala]NKNAGETLLQ